The following is an entry in ClinVar:

ClinVar aggregate classification (germline): Conflicting classifications of pathogenicity. Review status: criteria provided, conflicting classifications (1 of 4 stars). 2 submissions from 2 submitters: Pathogenic (1); Uncertain significance (1). Last evaluated 2026-06-25.

Conditions:
Epidermolysis bullosa, junctional 2A, intermediate. Also called: EPIDERMOLYSIS BULLOSA, JUNCTIONAL 2A, GENERALIZED INTERMEDIATE; EPIDERMOLYSIS BULLOSA, JUNCTIONAL 2A, NON-HERLITZ TYPE. Identifiers: MedGen C5676936, MONDO:0030746, OMIM 619783.
LAMA3-related disorder. Also called: LAMA3-related disorders; LAMA3-related condition.

Submissions (2):

PreventionGenetics, part of Exact Sciences
Classification: Uncertain significance for LAMA3-related condition. Last evaluated: 2026-06-25. Review status: criteria provided, single submitter. Criteria: ACMG Guidelines, 2015. Collection method: clinical testing. Allele origin: germline.
Comment: The LAMA3 c.1299_1314del16 variant is predicted to result in a frameshift and premature protein termination (p.Leu434Cysfs*31). In the primary transcript (NM_000227), this variant resides in the pre-coding region (c.-99432_-99417del16, pre-coding). To our knowledge, this variant has not been reported in the literature. This variant is reported in 0.054% of alleles in individuals of Ashkenazi Jewish descent in gnomAD, which is likely too common for an undocumented disease-causing variant. Although we suspect that this variant may be benign, at this time, the clinical significance of this variant is uncertain due to the absence of conclusive functional and genetic evidence.

Laboratory of Medical Genetics, National & Kapodistrian University of Athens
Classification: Pathogenic for Epidermolysis bullosa, junctional 2A, intermediate. Last evaluated: 2024-02-01. Review status: criteria provided, single submitter. Criteria: ACMG Guidelines, 2015. Collection method: curation. Allele origin: germline. Affected: no.

NM_198129.4(LAMA3):c.1273+26_1273+41del

Gene: LAMA3 (laminin subunit alpha 3; plus strand). Cytogenetic location: 18q11.2.
Variant type: Deletion.
Coding change: c.1273+26_1273+41del on transcript NM_198129.4 (MANE Select); bases 26 to 41 of the intron after coding-DNA position 1273, 16 bases deleted (TCTTAGCCTGTGTGTA).
Molecular consequence: intron variant. On other transcripts: frameshift variant (1).
Genome position (GRCh38, 1-based): chr18:23,773,613-23,773,628, TCTTAGCCTGTGTGTA deleted; deleting any 16 consecutive bases within chr18:23,773,608-23,773,628 gives the same sequence; the c. name uses the placement nearest the transcript's 3' end. VCF-style (leftmost placement, unchanged base first): chr18-23773607-GGTGTATCTTAGCCTGT-G. GRCh37 (hg19) VCF-style: chr18-21353571-GGTGTATCTTAGCCTGT-G.
Other names: c.1299_1314del, p.Leu434fs (NM_001302996.2); c.1273+26_1273+41del (NM_001127717.4); c.1299_1314del16 (NM_001302996.1); short protein forms L434fs.
Identifiers: ClinVar variation 3239675 (VCV003239675.2), dbSNP rs751342972.